The following is an entry in ClinVar:

NM_052947.4(ALPK2):c.602A>G (p.Glu201Gly)

Gene: ALPK2 (alpha kinase 2; minus strand). Cytogenetic location: 18q21.31.
Variant type: single nucleotide variant.
Coding change: c.602A>G on transcript NM_052947.4 (MANE Select); coding-DNA position 602, A replaced by G.
Protein change: p.Glu201Gly; replaces glutamic acid 201 with glycine.
Molecular consequence: missense variant.
Genome position (GRCh38, 1-based): chr18:58,580,174, T>C on the plus strand (A>G on the coding strand, the complement: ALPK2 is on the minus strand). VCF-style: chr18-58580174-T-C. GRCh37 (hg19) VCF-style: chr18-56247406-T-C.
Other names: short protein forms E201G.
Identifiers: ClinVar variation 3228835 (VCV003228835.1), dbSNP rs773550825, ClinGen allele CA300927548.

ClinVar aggregate classification (germline): Uncertain significance (1 of 4 stars; one submission).

Allele frequency attached by ClinVar (database versions not stated): gnomAD exomes below 0.00001.
gnomAD v4.1: 4 of 1,614,206 alleles (0.00025%); highest among the groups gnomAD compares: Non-Finnish European, 0.00034%; no homozygotes.

Submission:

Ambry Genetics
Classification: Uncertain significance. Last evaluated: 2024-02-12. Review status: criteria provided, single submitter. Criteria: Ambry Variant Classification Scheme 2023. Collection method: clinical testing. Allele origin: germline.
Comment: The p.E201G variant (also known as c.602A>G), located in coding exon 3 of the ALPK2 gene, results from an A to G substitution at nucleotide position 602. The glutamic acid at codon 201 is replaced by glycine, an amino acid with similar properties. This amino acid position is conserved. In addition, this alteration is predicted to be tolerated by in silico analysis. Based on the available evidence, the clinical significance of this alteration remains unclear.